The following is an entry in ClinVar:

NM_000350.3(ABCA4):c.613T>A (p.Cys205Ser)

Gene: ABCA4 (ATP binding cassette subfamily A member 4; minus strand). Cytogenetic location: 1p22.1.
Variant type: single nucleotide variant.
Coding change: c.613T>A on transcript NM_000350.3 (MANE Select); coding-DNA position 613, T replaced by A.
Protein change: p.Cys205Ser; replaces cysteine 205 with serine.
Molecular consequence: missense variant.
Genome position (GRCh38, 1-based): chr1:94,098,949, A>T on the plus strand (T>A on the coding strand, the complement: ABCA4 is on the minus strand). VCF-style: chr1-94098949-A-T. GRCh37 (hg19) VCF-style: chr1-94564505-A-T.
Other names: c.613T>A, p.Cys205Ser (NM_001425324.1); short protein forms C205S.
Identifiers: ClinVar variation 5007304 (VCV005007304.2).

ClinVar aggregate classification (germline): Uncertain significance (1 of 4 stars; one submission).

Conditions:
Cone-rod dystrophy 3 (CORD3). Identifiers: Orphanet 1872, MedGen C1858806, MONDO:0011395, OMIM 604116.
Retinitis pigmentosa 19 (RP19). Also called: ABCA4-Related Retinitis Pigmentosa. Identifiers: Orphanet 791, MedGen C1866422, MONDO:0011137, OMIM 601718.
Age related macular degeneration 2. Also called: MACULAR DEGENERATION, SENILE; MACULOPATHY, AGE-RELATED, 2; MACULOPATHY, AGE-RELATED. Identifiers: MedGen C3495438, MONDO:0007932, OMIM 153800.
Severe early-childhood-onset retinal dystrophy (STGD1). Also called: Stargardt macular dystrophy; Juvenile onset macular degeneration; Stargardt disease 1; MACULAR DYSTROPHY WITH FLECKS, TYPE 1; STGD. Identifiers: Orphanet 364055, Orphanet 827, MedGen C1855465, MeSH D000080362, MONDO:0009549, OMIM 248200.

Submission:

Juno Genomics, Hangzhou Juno Genomics, Inc
Classification: Uncertain significance for Age related macular degeneration 2; Cone-rod dystrophy 3; Severe early-childhood-onset retinal dystrophy; Retinitis pigmentosa 19. Review status: criteria provided, single submitter. Criteria: ACMG Guidelines, 2015. Collection method: clinical testing. Allele origin: germline.
Comment: Absent from controls (or at extremely low frequency if recessive) in Genome Aggregation Database.;Multiple lines of computational evidence support a deleterious effect on the gene or gene product.